The following is an entry in ClinVar:

NM_004628.5(XPC):c.2287del (p.Leu763fs)

Gene: XPC (XPC complex subunit, DNA damage recognition and repair factor; minus strand). Cytogenetic location: 3p25.1.
Variant type: Deletion.
Coding change: c.2287del on transcript NM_004628.5 (MANE Select); coding-DNA position 2287, one base deleted (C; older notation c.2287delC).
Protein change: p.Leu763fs; shifts the reading frame from leucine 763.
Molecular consequence: frameshift variant. On other transcripts: non-coding transcript variant (2).
Genome position (GRCh38, 1-based): chr3:14,148,695, G deleted on the plus strand (C on the coding strand, the reverse complement: XPC is on the minus strand); the first of 2 consecutive G bases (chr3:14,148,695-14,148,696); deleting either gives the same sequence. VCF-style (leftmost placement, unchanged base first): chr3-14148694-AG-A. GRCh37 (hg19) VCF-style: chr3-14190194-AG-A.
Other names: c.2287delC (NM_004628.4); c.1708del, p.Leu570fs (NM_001354726.2); c.2281del, p.Leu761fs (NM_001354727.2); c.2269del, p.Leu757fs (NM_001354729.2); c.2041del, p.Leu681fs (NM_001354730.2); short protein forms L681fs, L757fs, L570fs, L761fs, L763fs.
Identifiers: ClinVar variation 558141 (VCV000558141.11), dbSNP rs1553604559, ClinGen allele CA658822342.

ClinVar aggregate classification (germline): Pathogenic. Review status: criteria provided, multiple submitters, no conflicts (2 of 4 stars). 4 submissions from 4 submitters: Pathogenic (3). 1 of the submissions does not count toward it. Last evaluated 2023-11-15.

Conditions:
XPC-related disorder. Also called: XPC-related condition.
Xeroderma pigmentosum, group C (XPC). Also called: Xeroderma pigmentosum, complementation group C; XPC-Related Xeroderma Pigmentosum; XERODERMA PIGMENTOSUM III; XP, GROUP C. Identifiers: Orphanet 910, MedGen C2752147, MONDO:0010211, OMIM 278720.

Submissions (4):

Labcorp Genetics (formerly Invitae), Labcorp
Classification: Pathogenic. Last evaluated: 2023-11-15. Review status: criteria provided, single submitter. Criteria: Invitae Variant Classification Sherloc (09022015). Collection method: clinical testing. Allele origin: germline.
Comment: This sequence change creates a premature translational stop signal (p.Leu763Cysfs*4) in the XPC gene. It is expected to result in an absent or disrupted protein product. Loss-of-function variants in XPC are known to be pathogenic (PMID: 23173980, 25256075). This variant is not present in population databases (gnomAD no frequency). This premature translational stop signal has been observed in individual(s) with clinical features of xeroderma pigmentosum (PMID: 20054342, 26278556). ClinVar contains an entry for this variant (Variation ID: 558141). For these reasons, this variant has been classified as Pathogenic.

Baylor Genetics
Classification: Pathogenic for Xeroderma pigmentosum, group C. Last evaluated: 2023-07-20. Review status: criteria provided, single submitter. Criteria: ACMG Guidelines, 2015. Collection method: clinical testing. Allele origin: unknown.

Blueprint Genetics
Classification: Pathogenic for XPC-related disorders. Last evaluated: 2022-06-07. Review status: criteria provided, single submitter. Criteria: ACMG Guidelines, 2015. Collection method: clinical testing. Allele origin: germline. Affected: yes. Observed: 1 variant allele.

Counsyl
Classification: Pathogenic for Xeroderma pigmentosum, group C. Last evaluated: 2018-04-30. Review status: no assertion criteria provided. Collection method: clinical testing. Allele origin: unknown. Not counted in ClinVar's aggregate classification.

Literature cited by the submitters: PubMed 23173980 (cited by Labcorp Genetics (formerly Invitae), Labcorp); PubMed 25256075 (cited by Labcorp Genetics (formerly Invitae), Labcorp); PubMed 20054342 (cited by Labcorp Genetics (formerly Invitae), Labcorp and Counsyl); PubMed 26278556 (cited by Labcorp Genetics (formerly Invitae), Labcorp and Counsyl).